The following is an entry in ClinVar:

NM_000548.5(TSC2):c.3686A>G (p.Gln1229Arg)

Gene: TSC2 (TSC complex subunit 2; plus strand). Cytogenetic location: 16p13.3.
Variant type: single nucleotide variant.
Coding change: c.3686A>G on transcript NM_000548.5 (MANE Select); coding-DNA position 3686, A replaced by G.
Protein change: p.Gln1229Arg; replaces glutamine 1229 with arginine.
Molecular consequence: missense variant.
Genome position (GRCh38, 1-based): chr16:2,081,670, A>G. VCF-style: chr16-2081670-A-G. GRCh37 (hg19) VCF-style: chr16-2131671-A-G.
Other names: c.3554A>G, p.Gln1185Arg (NM_001077183.3, NM_001370404.1); c.3686A>G, p.Gln1229Arg (NM_001114382.3); c.3446A>G, p.Gln1149Arg (NM_001318827.2); c.3410A>G, p.Gln1137Arg (NM_001318829.2); c.2954A>G, p.Gln985Arg (NM_001318831.2); c.3587A>G, p.Gln1196Arg (NM_001318832.2); c.3557A>G, p.Gln1186Arg (NM_001363528.2, NM_001370405.1, NM_021055.3); short protein forms Q1229R, Q1185R, Q985R, Q1137R, Q1186R, Q1149R, Q1196R.
Identifiers: ClinVar variation 406092 (VCV000406092.11), dbSNP rs1060500962, ClinGen allele CA16614724.

ClinVar aggregate classification (germline): Uncertain significance. Review status: criteria provided, multiple submitters, no conflicts (2 of 4 stars). 2 submissions from 2 submitters: Uncertain significance (2). Last evaluated 2025-09-13.

Conditions:
Hereditary cancer-predisposing syndrome. Also called: Tumor predisposition; Neoplastic Syndromes, Hereditary; Hereditary Cancer Syndrome; Hereditary neoplastic syndrome. Identifiers: Orphanet 140162, MedGen C0027672, MeSH D009386, MONDO:0015356.
Tuberous sclerosis 2 (TSC2). Identifiers: Orphanet 805, MedGen C1860707, MONDO:0013199, OMIM 613254.

Submissions (2):

Labcorp Genetics (formerly Invitae), Labcorp
Classification: Uncertain significance for Tuberous sclerosis 2. Last evaluated: 2025-09-13. Review status: criteria provided, single submitter. Criteria: Invitae Variant Classification Sherloc (09022015). Collection method: clinical testing. Allele origin: germline.
Comment: This sequence change replaces glutamine, which is neutral and polar, with arginine, which is basic and polar, at codon 1229 of the TSC2 protein (p.Gln1229Arg). This variant is not present in population databases (gnomAD no frequency). This variant has not been reported in the literature in individuals affected with TSC2-related conditions. ClinVar contains an entry for this variant (Variation ID: 406092). Invitae Evidence Modeling of protein sequence and biophysical properties (such as structural, functional, and spatial information, amino acid conservation, physicochemical variation, residue mobility, and thermodynamic stability) indicates that this missense variant is not expected to disrupt TSC2 protein function with a negative predictive value of 95%. In summary, the available evidence is currently insufficient to determine the role of this variant in disease. Therefore, it has been classified as a Variant of Uncertain Significance.

Ambry Genetics
Classification: Uncertain significance for Hereditary cancer-predisposing syndrome. Last evaluated: 2022-06-15. Review status: criteria provided, single submitter. Criteria: Ambry Variant Classification Scheme 2023. Collection method: clinical testing. Allele origin: germline.
Comment: The p.Q1229R variant (also known as c.3686A>G), located in coding exon 30 of the TSC2 gene, results from an A to G substitution at nucleotide position 3686. The glutamine at codon 1229 is replaced by arginine, an amino acid with highly similar properties. This amino acid position is conserved. In addition, this alteration is predicted to be deleterious by in silico analysis. Since supporting evidence is limited at this time, the clinical significance of this alteration remains unclear.